The following is an entry in ClinVar:

ClinVar aggregate classification (germline): Uncertain significance (1 of 4 stars; one submission).

Conditions:
Dilated cardiomyopathy 1DD (CMD1DD). Identifiers: Orphanet 154, MedGen C2750995, MONDO:0013168, OMIM 613172.

gnomAD v4.1: 3 of 1,551,702 alleles (0.00019%); highest among the groups gnomAD compares: Non-Finnish European, 0.000087%; no homozygotes.

Submission:

Labcorp Genetics (formerly Invitae), Labcorp
Classification: Uncertain significance for Dilated cardiomyopathy 1DD. Last evaluated: 2021-03-23. Review status: criteria provided, single submitter. Criteria: Invitae Variant Classification Sherloc (09022015). Collection method: clinical testing. Allele origin: germline.
Comment: In summary, the available evidence is currently insufficient to determine the role of this variant in disease. Therefore, it has been classified as a Variant of Uncertain Significance. Algorithms developed to predict the effect of missense changes on protein structure and function (SIFT, PolyPhen-2, Align-GVGD) all suggest that this variant is likely to be disruptive, but these predictions have not been confirmed by published functional studies and their clinical significance is uncertain. This variant has not been reported in the literature in individuals with RBM20-related conditions. This variant is not present in population databases (ExAC no frequency). This sequence change replaces glycine with aspartic acid at codon 670 of the RBM20 protein (p.Gly670Asp). The glycine residue is highly conserved and there is a moderate physicochemical difference between glycine and aspartic acid.

NM_001134363.3(RBM20):c.2009G>A (p.Gly670Asp)

Gene: RBM20 (RNA binding motif protein 20; plus strand). Cytogenetic location: 10q25.2.
Variant type: single nucleotide variant.
Coding change: c.2009G>A on transcript NM_001134363.3 (MANE Select); coding-DNA position 2009, G replaced by A.
Protein change: p.Gly670Asp; replaces glycine 670 with aspartic acid.
Molecular consequence: missense variant.
Genome position (GRCh38, 1-based): chr10:110,812,406, G>A. VCF-style: chr10-110812406-G-A. GRCh37 (hg19) VCF-style: chr10-112572164-G-A.
Other names: short protein forms G670D.
Identifiers: ClinVar variation 1380713 (VCV001380713.6), dbSNP rs2135104151, ClinGen allele CA378370882.
Genomic context (GRCh38, chr10:110,812,406, plus strand): 5'-CCAGCTTCACCTCCTGCAGCTCTTCCCACAGCCCTCCGGGCCCCTCCCGGGCTGACTGGG[G>A]CAATGGCCGGGACTCCTGGGAGCACTCTCCCTATGCCAGGAGGGAGGAAGAGCGAGACCC-3'
Protein context (NP_001127835.2, residues 660-680): SPPGPSRADW[Gly670Asp]NGRDSWEHSP